The following is an entry in ClinVar:

ClinVar aggregate classification (germline): Benign/Likely benign. Review status: criteria provided, multiple submitters, no conflicts (2 of 4 stars). 2 submissions from 2 submitters: Benign (1); Likely benign (1). Last evaluated 2024-07-05.

Conditions:
Oligodontia-cancer predisposition syndrome. Also called: TOOTH AGENESIS-COLORECTAL CANCER SYNDROME. Identifiers: Orphanet 300576, MedGen C1837750, MONDO:0012075, OMIM 608615. Disease mechanism: loss of function.

Allele frequency attached by ClinVar (database versions not stated): gnomAD exomes below 0.00001.

Submissions (2):

Myriad Genetics, Inc.
Classification: Benign for Oligodontia-cancer predisposition syndrome. Last evaluated: 2024-07-05. Review status: criteria provided, single submitter. Criteria: Myriad Autosomal Dominant, Autosomal Recessive and X-Linked Classification Criteria (2023). Collection method: clinical testing. Allele origin: unknown.
Comment: This variant is considered benign. This variant is a silent/synonymous amino acid change and it is not expected to impact splicing.

Labcorp Genetics (formerly Invitae), Labcorp
Classification: Likely benign for Oligodontia-cancer predisposition syndrome. Last evaluated: 2023-08-10. Review status: criteria provided, single submitter. Criteria: Invitae Variant Classification Sherloc (09022015). Collection method: clinical testing. Allele origin: germline.

NM_004655.4(AXIN2):c.1698C>T (p.Pro566=)

Gene: AXIN2 (axin 2; minus strand). Cytogenetic location: 17q24.1.
Variant type: single nucleotide variant.
Coding change: c.1698C>T on transcript NM_004655.4 (MANE Select); coding-DNA position 1698, C replaced by T.
Protein change: p.Pro566=; no amino-acid change (proline 566 retained).
Molecular consequence: synonymous variant.
Genome position (GRCh38, 1-based): chr17:65,537,338, G>A on the plus strand (C>T on the coding strand, the complement: AXIN2 is on the minus strand). VCF-style: chr17-65537338-G-A. GRCh37 (hg19) VCF-style: chr17-63533456-G-A.
Other names: c.1698C>T, p.Pro566= (NM_001363813.1); c.1698C>T (LRG_296t1).
Identifiers: ClinVar variation 415215 (VCV000415215.11), dbSNP rs1060504484, ClinGen allele CA16615867.